The following is an entry in ClinVar:

NM_022765.4(MICAL1):c.209G>A (p.Arg70Gln)

Gene: MICAL1 (microtubule associated monooxygenase, calponin and LIM domain containing 1; minus strand). Cytogenetic location: 6q21.
Variant type: single nucleotide variant.
Coding change: c.209G>A on transcript NM_022765.4 (MANE Select); coding-DNA position 209, G replaced by A.
Protein change: p.Arg70Gln; replaces arginine 70 with glutamine.
Molecular consequence: missense variant.
Genome position (GRCh38, 1-based): chr6:109,453,988, C>T on the plus strand (G>A on the coding strand, the complement: MICAL1 is on the minus strand). VCF-style: chr6-109453988-C-T. GRCh37 (hg19) VCF-style: chr6-109775191-C-T.
Other names: c.209G>A, p.Arg70Gln (NM_001159291.2); c.266G>A, p.Arg89Gln (NM_001286613.2); c.209G>A (NM_022765.3); short protein forms R70Q, R89Q.
Identifiers: ClinVar variation 1949416 (VCV001949416.6), dbSNP rs565842929, ClinGen allele CA3953875.
Genomic context (GRCh38, chr6:109,453,988, plus strand): 5'-CGTGTATCCACCTTGGTGCTGGTGCAGGCCCGGCCCTGCTGGTAGACAGGCTGGCCTGCT[C>T]GCTTGTCCAGCTTGGTCCACAGTGACTTGGCGCTCCAGTAGTTGAGCTGGTCCTTGATCT-3'
Protein context (NP_073602.3, residues 60-80): AKSLWTKLDK[Arg70Gln]AGQPVYQQGR

ClinVar aggregate classification (germline): Uncertain significance. Review status: criteria provided, multiple submitters, no conflicts (2 of 4 stars). 2 submissions from 2 submitters: Uncertain significance (2). Last evaluated 2024-10-31.

Allele frequency attached by ClinVar (database versions not stated): gnomAD 0.00001; 1000 Genomes Project 30x 0.00016; 1000 Genomes Project 0.00020.
gnomAD v4.1: 29 of 1,614,046 alleles (0.0018%); highest among the groups gnomAD compares: Middle Eastern, 0.099%; no homozygotes.

Submissions (2):

Labcorp Genetics (formerly Invitae), Labcorp
Classification: Uncertain significance. Last evaluated: 2024-10-31. Review status: criteria provided, single submitter. Criteria: Invitae Variant Classification Sherloc (09022015). Collection method: clinical testing. Allele origin: germline.
Comment: This sequence change replaces arginine, which is basic and polar, with glutamine, which is neutral and polar, at codon 89 of the MICAL1 protein (p.Arg89Gln). This variant is present in population databases (rs565842929, gnomAD 0.007%). This variant has not been reported in the literature in individuals affected with MICAL1-related conditions. ClinVar contains an entry for this variant (Variation ID: 1949416). An algorithm developed to predict the effect of missense changes on protein structure and function (PolyPhen-2) suggests that this variant is likely to be disruptive. In summary, the available evidence is currently insufficient to determine the role of this variant in disease. Therefore, it has been classified as a Variant of Uncertain Significance.

Ambry Genetics
Classification: Uncertain significance. Last evaluated: 2024-07-05. Review status: criteria provided, single submitter. Criteria: Ambry Variant Classification Scheme 2023. Collection method: clinical testing. Allele origin: germline.